The following is an entry in ClinVar:

NM_001042681.2(RERE):c.2819C>T (p.Pro940Leu)

Gene: RERE (arginine-glutamic acid dipeptide repeats; minus strand). Cytogenetic location: 1p36.23.
Variant type: single nucleotide variant.
Coding change: c.2819C>T on transcript NM_001042681.2 (MANE Select); coding-DNA position 2819, C replaced by T.
Protein change: p.Pro940Leu; replaces proline 940 with leucine.
Molecular consequence: missense variant.
Genome position (GRCh38, 1-based): chr1:8,360,688, G>A on the plus strand (C>T on the coding strand, the complement: RERE is on the minus strand). VCF-style: chr1-8360688-G-A. GRCh37 (hg19) VCF-style: chr1-8420748-G-A.
Other names: c.1157C>T, p.Pro386Leu (NM_001042682.2); c.2819C>T, p.Pro940Leu (NM_012102.4); c.2819C>T (NM_012102.3); short protein forms P386L, P940L.
Identifiers: ClinVar variation 2585033 (VCV002585033.2), dbSNP rs369907727, ClinGen allele CA571302.

ClinVar aggregate classification (germline): Uncertain significance. Review status: criteria provided, multiple submitters, no conflicts (2 of 4 stars). 2 submissions from 2 submitters: Uncertain significance (2). Last evaluated 2023-12-12.

Conditions:
Neurodevelopmental disorder with or without anomalies of the brain, eye, or heart (NEDBEH). Identifiers: Orphanet 494344, MedGen C5567477, MONDO:0014857, OMIM 616975.
Inborn genetic diseases. Identifiers: MedGen C0950123, MeSH D030342.

Allele frequency attached by ClinVar (database versions not stated): ESP Exome Variant Server 0.00008; gnomAD exomes 0.00001.
gnomAD v4.1: 12 of 1,554,310 alleles (0.00077%); highest among the groups gnomAD compares: South Asian, 0.0036%; no homozygotes.

Submissions (2):

Ambry Genetics
Classification: Uncertain significance for Inborn genetic diseases. Last evaluated: 2023-12-12. Review status: criteria provided, single submitter. Criteria: Ambry Variant Classification Scheme 2023. Collection method: clinical testing. Allele origin: germline.

Neuberg Centre For Genomic Medicine, NCGM
Classification: Uncertain significance for Neurodevelopmental disorder with or without anomalies of the brain, eye, or heart. Review status: criteria provided, single submitter. Criteria: ACMG Guidelines, 2015. Collection method: clinical testing. Allele origin: germline. Inheritance: Autosomal dominant inheritance. Affected: yes.
Comment: The c.2819C>T (p.Pro940Leu) missense variant in RERE gene has not been reported previously as a pathogenic variant nor as a benign variant, to our knowledge. This variant is reported with the allele frequency (0.001%) in the gnomAD and novel in 1000 genome database. The amino acid Pro at position 940 is changed to a Leu changing protein sequence and it might alter its composition and physico-chemical properties. The amino acid change p.Pro940Leu in RERE is predicted as conserved by GERP++ and PhyloP across 100 vertebrates. For these reasons, this variant has been classified as Variant of Uncertain Significance (VUS)